The following is an entry in ClinVar:

ClinVar aggregate classification (germline): Uncertain significance (1 of 4 stars; one submission).

Conditions:
Early-infantile DEE. Also called: Ohtahara syndrome; Early infantile epileptic encephalopathy; Early infantile epileptic encephalopathy with suppression bursts. Identifiers: Orphanet 1934, MedGen C0393706, MONDO:0800491.

Allele frequency attached by ClinVar (database versions not stated): gnomAD exomes 0.00001; ExAC 0.00002.
gnomAD v4.1: 4 of 1,614,204 alleles (0.00025%); highest among the groups gnomAD compares: Non-Finnish European, 0.00034%; no homozygotes.

Submission:

Labcorp Genetics (formerly Invitae), Labcorp
Classification: Uncertain significance for Early-infantile DEE. Last evaluated: 2021-06-19. Review status: criteria provided, single submitter. Criteria: Invitae Variant Classification Sherloc (09022015). Collection method: clinical testing. Allele origin: germline.
Comment: In summary, the available evidence is currently insufficient to determine the role of this variant in disease. Therefore, it has been classified as a Variant of Uncertain Significance. Advanced modeling of protein sequence and biophysical properties (such as structural, functional, and spatial information, amino acid conservation, physicochemical variation, residue mobility, and thermodynamic stability) performed at Invitae indicates that this missense variant is not expected to disrupt SCN1A protein function. This variant has not been reported in the literature in individuals with SCN1A-related conditions. The frequency data for this variant in the population databases is considered unreliable, as metrics indicate poor data quality at this position in the ExAC database. This sequence change replaces lysine with threonine at codon 42 of the SCN1A protein (p.Lys42Thr). The lysine residue is highly conserved and there is a moderate physicochemical difference between lysine and threonine.

NM_001165963.4(SCN1A):c.125A>C (p.Lys42Thr)

Gene: SCN1A (sodium voltage-gated channel alpha subunit 1; minus strand). Cytogenetic location: 2q24.3.
Variant type: single nucleotide variant.
Coding change: c.125A>C on transcript NM_001165963.4 (MANE Select); coding-DNA position 125, A replaced by C.
Protein change: p.Lys42Thr; replaces lysine 42 with threonine.
Molecular consequence: missense variant. On other transcripts: 5 prime UTR variant (1), non-coding transcript variant (1).
Genome position (GRCh38, 1-based): chr2:166,073,497, T>G on the plus strand (A>C on the coding strand, the complement: SCN1A is on the minus strand). VCF-style: chr2-166073497-T-G. GRCh37 (hg19) VCF-style: chr2-166930007-T-G.
Other names: c.125A>C, p.Lys42Thr (NM_001165964.3, NM_001202435.3, NM_001353948.2 and 10 more transcripts); c.-2301A>C (NM_001353961.2); short protein forms K42T.
Identifiers: ClinVar variation 1381398 (VCV001381398.9), dbSNP rs760777182, ClinGen allele CA1943566.